The following is an entry in ClinVar:

ClinVar aggregate classification (germline): Benign (0 of 4 stars; one submission).

Conditions:
WNT9B-related disorder. Also called: WNT9B-related condition.

Allele frequency attached by ClinVar (database versions not stated): TOPMed 0.02022; gnomAD 0.01809; 1000 Genomes Project 30x 0.02295; ExAC 0.00128; 1000 Genomes Project 0.02137.
gnomAD v4.1: 3,323 of 437,780 alleles (0.76%); highest among the groups gnomAD compares: African/African-American, 6.3%; 96 homozygotes.

Submission:

PreventionGenetics, part of Exact Sciences
Classification: Benign for WNT9B-related condition. Last evaluated: 2019-02-20. Review status: no assertion criteria provided. Collection method: clinical testing. Allele origin: germline.
Comment: This variant is classified as benign based on ACMG/AMP sequence variant interpretation guidelines (Richards et al. 2015 PMID: 25741868, with internal and published modifications).

NM_001320458.2(WNT9B):c.961G>A (p.Ala321Thr)

Genes: LRRC37A2 (leucine rich repeat containing 37 member A2), WNT9B (Wnt family member 9B; plus strand). Cytogenetic location: 17q21.32.
Variant type: single nucleotide variant.
Coding change: c.961G>A on transcript NM_001320458.2; coding-DNA position 961, G replaced by A.
Protein change: p.Ala321Thr; replaces alanine 321 with threonine.
Molecular consequence: missense variant.
Genome position (GRCh38, 1-based): chr17:46,885,090, G>A. VCF-style: chr17-46885090-G-A. GRCh37 (hg19) VCF-style: chr17-44962456-G-A.
Other names: short protein forms A321T.
Identifiers: ClinVar variation 3056815 (VCV003056815.2), dbSNP rs116186402, ClinGen allele CA8621078.